The following is an entry in ClinVar:

NM_206933.4(USH2A):c.9570+1_9570+5del

Gene: USH2A (usherin; minus strand). Cytogenetic location: 1q41.
Variant type: Deletion.
Coding change: c.9570+1_9570+5del on transcript NM_206933.4 (MANE Select); the canonical splice donor site of the intron after coding-DNA position 9570 through 5 bases into the intron after coding-DNA position 9570, 5 bases deleted (GTAAG; older notation c.9570+1_9570+5delGTAAG).
Molecular consequence: splice donor variant.
Genome position (GRCh38, 1-based): chr1:215,816,992-215,816,996, CTTAC deleted on the plus strand (GTAAG on the coding strand, the reverse complement: USH2A is on the minus strand); deleting any 5 consecutive bases within chr1:215,816,992-215,817,000 gives the same sequence; the c. name uses the placement nearest the transcript's 3' end. VCF-style (leftmost placement, unchanged base first): chr1-215816991-ACTTAC-A. GRCh37 (hg19) VCF-style: chr1-215990333-ACTTAC-A.
Identifiers: ClinVar variation 2124745 (VCV002124745.4), dbSNP rs2464519932, ClinGen allele CA2580062076.
Genomic context (GRCh38, chr1:215,816,991, plus strand): 5'-TAATAATTTCACTTGGAGTCTTGAGTGAGAAAAACATGGTTCACTGATTAGTTAGAAAAG[ACTTAC>A]CTTAGCTTCAGAAGAATAGCAAATGTGTCCACAGATAGATTCAGGTTTTTGACACCTCAC-3'

ClinVar aggregate classification (germline): Pathogenic (1 of 4 stars; one submission).

Submission:

Labcorp Genetics (formerly Invitae), Labcorp
Classification: Pathogenic. Last evaluated: 2022-04-18. Review status: criteria provided, single submitter. Criteria: Invitae Variant Classification Sherloc (09022015). Collection method: clinical testing. Allele origin: germline.
Comment: Disruption of this splice site has been observed in individual(s) with Usher syndrome (PMID: 23737954). It has also been observed to segregate with disease in related individuals. This sequence change affects a splice site in intron 48 of the USH2A gene. It is expected to disrupt RNA splicing. Variants that disrupt the donor or acceptor splice site typically lead to a loss of protein function (PMID: 16199547), and loss-of-function variants in USH2A are known to be pathogenic (PMID: 10729113, 10909849, 20507924, 25649381). This variant is not present in population databases (gnomAD no frequency). Algorithms developed to predict the effect of sequence changes on RNA splicing suggest that this variant may disrupt the consensus splice site. For these reasons, this variant has been classified as Pathogenic.

Literature cited by the submitters: PubMed 23737954; PubMed 16199547; PubMed 10729113; PubMed 10909849; PubMed 20507924; PubMed 25649381.